The following is an entry in ClinVar:

ClinVar aggregate classification (germline): Benign/Likely benign. Review status: criteria provided, multiple submitters, no conflicts (2 of 4 stars). 2 submissions from 2 submitters: Benign (1); Likely benign (1). Last evaluated 2025-10-14.

Conditions:
Obesity due to SIM1 deficiency. Identifiers: Orphanet 369873, MedGen C5191050, MONDO:0018244.

Allele frequency attached by ClinVar (database versions not stated): gnomAD 0.00016; TOPMed 0.00034; 1000 Genomes Project 0.00140; 1000 Genomes Project 30x 0.00141.

Submissions (2):

Labcorp Genetics (formerly Invitae), Labcorp
Classification: Benign. Last evaluated: 2025-10-14. Review status: criteria provided, single submitter. Criteria: Invitae Variant Classification Sherloc (09022015). Collection method: clinical testing. Allele origin: germline.

Illumina Laboratory Services, Illumina
Classification: Likely benign for Obesity due to SIM1 deficiency. Last evaluated: 2018-01-13. Review status: criteria provided, single submitter. Criteria: ICSL Variant Classification Criteria 13 December 2019. Collection method: clinical testing. Allele origin: germline.
Comment: This variant was observed in the ICSL laboratory as part of a predisposition screen in an ostensibly healthy population. It had not been previously curated by ICSL or reported in the Human Gene Mutation Database (HGMD: prior to June 1st, 2018), and was therefore a candidate for classification through an automated scoring system. Utilizing variant allele frequency, disease prevalence and penetrance estimates, and inheritance mode, an automated score was calculated to assess if this variant is too frequent to cause the disease. Based on the score and internal cut-off values, a variant classified as likely benign is not then subjected to further curation. The score for this variant resulted in a classification of likely benign for this disease.

NM_005068.3(SIM1):c.1236C>A (p.Thr412=)

Genes: SIM1-AS1 (SIM1 antisense RNA 1; plus strand), SIM1 (SIM bHLH transcription factor 1; minus strand). Cytogenetic location: 6q16.3.
Variant type: single nucleotide variant.
Coding change: c.1236C>A on transcript NM_005068.3 (MANE Select); coding-DNA position 1236, C replaced by A.
Protein change: p.Thr412=; no amino-acid change (threonine 412 retained).
Molecular consequence: synonymous variant.
Genome position (GRCh38, 1-based): chr6:100,393,821, G>T on the plus strand (C>A on the coding strand, the complement: SIM1 is on the minus strand). VCF-style: chr6-100393821-G-T. GRCh37 (hg19) VCF-style: chr6-100841697-G-T.
Other names: c.1236C>A, p.Thr412= (NM_001374769.1).
Identifiers: ClinVar variation 354678 (VCV000354678.12), dbSNP rs200106103, ClinGen allele CA3937077.